The following is an entry in ClinVar:

NM_182961.4(SYNE1):c.11464T>A (p.Ser3822Thr)

Gene: SYNE1 (spectrin repeat containing nuclear envelope protein 1; minus strand). Cytogenetic location: 6q25.2.
Variant type: single nucleotide variant.
Coding change: c.11464T>A on transcript NM_182961.4 (MANE Select); coding-DNA position 11464, T replaced by A.
Protein change: p.Ser3822Thr; replaces serine 3822 with threonine.
Molecular consequence: missense variant.
Genome position (GRCh38, 1-based): chr6:152,352,143, A>T on the plus strand (T>A on the coding strand, the complement: SYNE1 is on the minus strand). VCF-style: chr6-152352143-A-T. GRCh37 (hg19) VCF-style: chr6-152673278-A-T.
Other names: c.11419T>A, p.Ser3807Thr (NM_033071.5); short protein forms S3807T, S3822T.
Identifiers: ClinVar variation 2924857 (VCV002924857.3), dbSNP rs764048127, ClinGen allele CA4056688.

ClinVar aggregate classification (germline): Uncertain significance (1 of 4 stars; one submission).

Conditions:
Emery-Dreifuss muscular dystrophy 4, autosomal dominant (EDMD4). Also called: EMERY-DREIFUSS MUSCULAR DYSTROPHY 4 WITH VARIABLE FEATURES. Identifiers: Orphanet 261, MedGen C2751807, MONDO:0013071, OMIM 612998.
Autosomal recessive ataxia, Beauce type. Also called: SYNE1-Related Autosomal Recessive Cerebellar Ataxia; SYNE1 Deficiency; Spinocerebellar ataxia, autosomal recessive 8; ATAXIA, RECESSIVE, OF BEAUCE. Identifiers: Orphanet 88644, MedGen C1853116, MONDO:0012549, OMIM 610743.

Allele frequency attached by ClinVar (database versions not stated): TOPMed below 0.00001; ExAC 0.00001; gnomAD exomes 0.00001.
gnomAD v4.1: 8 of 1,614,226 alleles (0.0005%); highest among the groups gnomAD compares: South Asian, 0.0088%; no homozygotes.

Submission:

Labcorp Genetics (formerly Invitae), Labcorp
Classification: Uncertain significance for Emery-Dreifuss muscular dystrophy 4, autosomal dominant; Autosomal recessive ataxia, Beauce type. Last evaluated: 2022-11-03. Review status: criteria provided, single submitter. Criteria: Invitae Variant Classification Sherloc (09022015). Collection method: clinical testing. Allele origin: germline.
Comment: In summary, the available evidence is currently insufficient to determine the role of this variant in disease. Therefore, it has been classified as a Variant of Uncertain Significance. Algorithms developed to predict the effect of missense changes on protein structure and function output the following: SIFT: "Tolerated"; PolyPhen-2: "Benign"; Align-GVGD: "Class C0". The threonine amino acid residue is found in multiple mammalian species, which suggests that this missense change does not adversely affect protein function. This variant has not been reported in the literature in individuals affected with SYNE1-related conditions. This variant is present in population databases (rs764048127, gnomAD 0.02%). This sequence change replaces serine, which is neutral and polar, with threonine, which is neutral and polar, at codon 3807 of the SYNE1 protein (p.Ser3807Thr).